The following is an entry in ClinVar:

NM_002834.5(PTPN11):c.624A>G (p.Thr208=)

Gene: PTPN11 (protein tyrosine phosphatase non-receptor type 11; plus strand). Cytogenetic location: 12q24.13.
Variant type: single nucleotide variant.
Coding change: c.624A>G on transcript NM_002834.5 (MANE Select); coding-DNA position 624, A replaced by G.
Protein change: p.Thr208=; no amino-acid change (threonine 208 retained).
Molecular consequence: synonymous variant.
Genome position (GRCh38, 1-based): chr12:112,454,662, A>G. VCF-style: chr12-112454662-A-G. GRCh37 (hg19) VCF-style: chr12-112892466-A-G.
Other names: c.624A>G, p.Thr208= (NM_001330437.2, NM_080601.3); c.621A>G, p.Thr207= (NM_001374625.1); c.624A>G (NM_002834.4).
Identifiers: ClinVar variation 220171 (VCV000220171.20), dbSNP rs864622409, ClinGen allele CA349491.

ClinVar aggregate classification (germline): Likely benign. Review status: criteria provided, multiple submitters, no conflicts (2 of 4 stars). 6 submissions from 6 submitters: Likely benign (6). Last evaluated 2025-10-03.

Conditions:
Cardiovascular phenotype. Identifiers: MedGen CN230736.
RASopathy. Also called: rasopathies; Noonan spectrum disorder. Identifiers: Orphanet 536391, MedGen C5555857, MONDO:0021060.

Allele frequency attached by ClinVar (database versions not stated): TOPMed below 0.00001; gnomAD exomes 0.00001.
gnomAD v4.1: 17 of 1,611,768 alleles (0.0011%); highest among the groups gnomAD compares: African/African-American, 0.0053%; no homozygotes.

Submissions (6):

Labcorp Genetics (formerly Invitae), Labcorp
Classification: Likely benign for RASopathy. Last evaluated: 2025-10-03. Review status: criteria provided, single submitter. Criteria: Invitae Variant Classification Sherloc (09022015). Collection method: clinical testing. Allele origin: germline.

Ambry Genetics
Classification: Likely benign for Cardiovascular phenotype. Last evaluated: 2025-06-17. Review status: criteria provided, single submitter. Criteria: Ambry Variant Classification Scheme 2023. Collection method: clinical testing. Allele origin: germline.

Molecular Diagnostic Laboratory for Inherited Cardiovascular Disease, Montreal Heart Institute
Classification: Likely benign. Last evaluated: 2025-04-09. Review status: criteria provided, single submitter. Criteria: ACMG Guidelines, 2015. Collection method: clinical testing. Allele origin: germline. Affected: no.

Women's Health and Genetics/Laboratory Corporation of America, LabCorp
Classification: Likely benign. Last evaluated: 2023-06-10. Review status: criteria provided, single submitter. Criteria: LabCorp Variant Classification Summary - May 2015. Collection method: clinical testing. Allele origin: germline.

Blueprint Genetics
Classification: Likely benign. Last evaluated: 2022-02-23. Review status: criteria provided, single submitter. Criteria: ACMG Guidelines, 2015. Collection method: clinical testing. Allele origin: germline.

Laboratory for Molecular Medicine, Mass General Brigham Personalized Medicine
Classification: Likely benign. Last evaluated: 2017-07-03. Review status: criteria provided, single submitter. Criteria: LMM Criteria. Collection method: clinical testing. Allele origin: germline. Observed: 1 variant allele.
Comment: p.Thr208Thr in exon 5 of PTPN11: This variant is not expected to have clinical s ignificance because it does not alter an amino acid residue and is not located w ithin the splice consensus sequence.